The following is an entry in ClinVar:

ClinVar aggregate classification (germline): Uncertain significance. Review status: criteria provided, multiple submitters, no conflicts (2 of 4 stars). 4 submissions from 4 submitters: Uncertain significance (4). Last evaluated 2026-07-07.

Conditions:
Catecholaminergic polymorphic ventricular tachycardia 1. Also called: VENTRICULAR TACHYCARDIA, CATECHOLAMINERGIC POLYMORPHIC, 1, WITH OR WITHOUT ATRIAL DYSFUNCTION AND/OR DILATED CARDIOMYOPATHY; VENTRICULAR TACHYCARDIA, STRESS-INDUCED POLYMORPHIC 1; RYR2-Related Catecholaminergic Polymorphic Ventricular Tachycardia. Identifiers: Orphanet 3286, MedGen C1631597, MONDO:0011484, OMIM 604772.
Cardiovascular phenotype. Identifiers: MedGen CN230736.

Allele frequency attached by ClinVar (database versions not stated): gnomAD exomes 0.00001.
gnomAD v4.1: 7 of 1,613,914 alleles (0.00043%); highest among the groups gnomAD compares: Non-Finnish European, 0.00059%; no homozygotes.

Submissions (4):

Victorian Clinical Genetics Services, Murdoch Childrens Research Institute
Classification: Uncertain significance for Catecholaminergic polymorphic ventricular tachycardia 1. Last evaluated: 2026-07-07. Review status: criteria provided, single submitter. Criteria: ACMG Guidelines, 2015. Collection method: clinical testing. Allele origin: germline. Affected: yes.
Comment: This variant is classified as VUS-3B. Evidence in support of pathogenic classification: This variant is present in gnomAD <0.001 for a dominant condition (v4: 7 heterozygote(s), 0 homozygote(s)). Additional information: This variant is predicted to result in a missense amino acid change from Lys to Glu; This variant is heterozygous; This gene is associated with autosomal dominant disease; Previous evidence of pathogenicity for this variant is inconclusive. This variant has been classified as VUS by clinical laboratories in ClinVar. NB: The individual reported in ClinVar by Labcorp Genetics is likely the proband of this family; No published evidence of segregation with disease has been identified for this variant; No published functional evidence has been identified for this variant; No comparable variants have previous evidence for pathogenicity; Variant is located in the annotated MIR domain (DECIPHER). - Missense variant with inconclusive in silico prediction(s) and/or uninformative conservation; Dominant negative and gain of function are known mechanisms of disease in this gene and are associated with catecholaminergic polymorphic ventricular tachycardia 1 (MIM#604772) and left ventricular non-compaction (PMIDs: 12459180, 27646203, 29477366, 31875585, 33500567). Loss of function has been reported for ventricular arrhythmias due to cardiac ryanodine receptor calcium release deficiency syndrome (MIM#115000); however, a dominant negative mechanism has not been excluded (PMID: 33536282); The condition associated with this gene has incomplete penetrance. Penetrance for CPVT is estimated to be 60-70% (PMID: 23549275); Inheritance information for this variant is not currently available in this individual.

Ambry Genetics
Classification: Uncertain significance for Cardiovascular phenotype. Last evaluated: 2025-11-12. Review status: criteria provided, single submitter. Criteria: Ambry Variant Classification Scheme 2023. Collection method: clinical testing. Allele origin: germline.
Comment: The p.K304E variant (also known as c.910A>G), located in coding exon 12 of the RYR2 gene, results from an A to G substitution at nucleotide position 910. The lysine at codon 304 is replaced by glutamic acid, an amino acid with similar properties. This amino acid position is well conserved in available vertebrate species. In addition, the in silico prediction for this alteration is inconclusive. Based on the available evidence, the clinical significance of this variant remains unclear.

Labcorp Genetics (formerly Invitae), Labcorp
Classification: Uncertain significance for Catecholaminergic polymorphic ventricular tachycardia 1. Last evaluated: 2022-06-19. Review status: criteria provided, single submitter. Criteria: Invitae Variant Classification Sherloc (09022015). Collection method: clinical testing. Allele origin: germline.
Comment: This sequence change replaces lysine, which is basic and polar, with glutamic acid, which is acidic and polar, at codon 304 of the RYR2 protein (p.Lys304Glu). This variant is present in population databases (no rsID available, gnomAD 0.0009%). This variant has not been reported in the literature in individuals affected with RYR2-related conditions. Advanced modeling of protein sequence and biophysical properties (such as structural, functional, and spatial information, amino acid conservation, physicochemical variation, residue mobility, and thermodynamic stability) performed at Invitae indicates that this missense variant is not expected to disrupt RYR2 protein function. In summary, the available evidence is currently insufficient to determine the role of this variant in disease. Therefore, it has been classified as a Variant of Uncertain Significance.

Blueprint Genetics
Classification: Uncertain significance. Last evaluated: 2022-06-13. Review status: criteria provided, single submitter. Criteria: ACMG Guidelines, 2015. Collection method: clinical testing. Allele origin: germline.

Literature cited by the submitters: PubMed 29477366 (cited by Victorian Clinical Genetics Services, Murdoch Childrens Research Institute); PubMed 23549275 (cited by Victorian Clinical Genetics Services, Murdoch Childrens Research Institute); PubMed 31875585 (cited by Victorian Clinical Genetics Services, Murdoch Childrens Research Institute); PubMed 12459180 (cited by Victorian Clinical Genetics Services, Murdoch Childrens Research Institute); PubMed 27646203 (cited by Victorian Clinical Genetics Services, Murdoch Childrens Research Institute); PubMed 33500567 (cited by Victorian Clinical Genetics Services, Murdoch Childrens Research Institute); PubMed 33536282 (cited by Victorian Clinical Genetics Services, Murdoch Childrens Research Institute).

NM_001035.3(RYR2):c.910A>G (p.Lys304Glu)

Gene: RYR2 (ryanodine receptor 2; plus strand). Cytogenetic location: 1q43.
Variant type: single nucleotide variant.
Coding change: c.910A>G on transcript NM_001035.3 (MANE Select); coding-DNA position 910, A replaced by G.
Protein change: p.Lys304Glu; replaces lysine 304 with glutamic acid.
Molecular consequence: missense variant.
Genome position (GRCh38, 1-based): chr1:237,423,153, A>G. VCF-style: chr1-237423153-A-G. GRCh37 (hg19) VCF-style: chr1-237586453-A-G.
Other names: c.910A>G (NM_001035.2); short protein forms K304E.
Identifiers: ClinVar variation 2038659 (VCV002038659.4), dbSNP rs1393653319, ClinGen allele CA345385312.